The following is an entry in ClinVar:

NM_033109.5(PNPT1):c.602T>C (p.Val201Ala)

Gene: PNPT1 (polyribonucleotide nucleotidyltransferase 1; minus strand). Cytogenetic location: 2p16.1.
Variant type: single nucleotide variant.
Coding change: c.602T>C on transcript NM_033109.5 (MANE Select); coding-DNA position 602, T replaced by C.
Protein change: p.Val201Ala; replaces valine 201 with alanine.
Molecular consequence: missense variant.
Genome position (GRCh38, 1-based): chr2:55,679,759, A>G on the plus strand (T>C on the coding strand, the complement: PNPT1 is on the minus strand). VCF-style: chr2-55679759-A-G. GRCh37 (hg19) VCF-style: chr2-55906894-A-G.
Other names: short protein forms V201A.
Identifiers: ClinVar variation 3678479 (VCV003678479.2).

ClinVar aggregate classification (germline): Uncertain significance (1 of 4 stars; one submission).

Submission:

Labcorp Genetics (formerly Invitae), Labcorp
Classification: Uncertain significance. Last evaluated: 2024-05-10. Review status: criteria provided, single submitter. Criteria: Invitae Variant Classification Sherloc (09022015). Collection method: clinical testing. Allele origin: germline.
Comment: This sequence change replaces valine, which is neutral and non-polar, with alanine, which is neutral and non-polar, at codon 201 of the PNPT1 protein (p.Val201Ala). This variant is present in population databases (rs754652198, gnomAD 0.006%). This variant has not been reported in the literature in individuals affected with PNPT1-related conditions. Advanced modeling of protein sequence and biophysical properties (such as structural, functional, and spatial information, amino acid conservation, physicochemical variation, residue mobility, and thermodynamic stability) performed at Invitae indicates that this missense variant is not expected to disrupt PNPT1 protein function with a negative predictive value of 80%. In summary, the available evidence is currently insufficient to determine the role of this variant in disease. Therefore, it has been classified as a Variant of Uncertain Significance.